The following is an entry in ClinVar:

ClinVar aggregate classification (germline): Uncertain significance (1 of 4 stars; one submission).

Submission:

Labcorp Genetics (formerly Invitae), Labcorp
Classification: Uncertain significance. Last evaluated: 2023-12-01. Review status: criteria provided, single submitter. Criteria: Invitae Variant Classification Sherloc (09022015). Collection method: clinical testing. Allele origin: germline.
Comment: This sequence change replaces valine, which is neutral and non-polar, with glutamic acid, which is acidic and polar, at codon 192 of the MICAL1 protein (p.Val192Glu). This variant is not present in population databases (gnomAD no frequency). This variant has not been reported in the literature in individuals affected with MICAL1-related conditions. An algorithm developed to predict the effect of missense changes on protein structure and function (PolyPhen-2) suggests that this variant is likely to be disruptive. In summary, the available evidence is currently insufficient to determine the role of this variant in disease. Therefore, it has been classified as a Variant of Uncertain Significance.

NM_022765.4(MICAL1):c.518T>A (p.Val173Glu)

Gene: MICAL1 (microtubule associated monooxygenase, calponin and LIM domain containing 1; minus strand). Cytogenetic location: 6q21.
Variant type: single nucleotide variant.
Coding change: c.518T>A on transcript NM_022765.4 (MANE Select); coding-DNA position 518, T replaced by A.
Protein change: p.Val173Glu; replaces valine 173 with glutamic acid.
Molecular consequence: missense variant.
Genome position (GRCh38, 1-based): chr6:109,453,316, A>T on the plus strand (T>A on the coding strand, the complement: MICAL1 is on the minus strand). VCF-style: chr6-109453316-A-T. GRCh37 (hg19) VCF-style: chr6-109774519-A-T.
Other names: c.518T>A, p.Val173Glu (NM_001159291.2); c.575T>A, p.Val192Glu (NM_001286613.2); short protein forms V173E, V192E.
Identifiers: ClinVar variation 2700065 (VCV002700065.3), dbSNP rs1562293186, ClinGen allele CA365233141.